The following is an entry in ClinVar:

NM_052876.4(NACC1):c.285C>T (p.Gly95=)

Gene: NACC1 (nucleus accumbens associated 1; plus strand). Cytogenetic location: 19p13.13.
Variant type: single nucleotide variant.
Coding change: c.285C>T on transcript NM_052876.4 (MANE Select); coding-DNA position 285, C replaced by T.
Protein change: p.Gly95=; no amino-acid change (glycine 95 retained).
Molecular consequence: synonymous variant.
Genome position (GRCh38, 1-based): chr19:13,135,492, C>T. VCF-style: chr19-13135492-C-T. GRCh37 (hg19) VCF-style: chr19-13246306-C-T.
Identifiers: ClinVar variation 1523711 (VCV001523711.9), dbSNP rs143634134, ClinGen allele CA9238249.

ClinVar aggregate classification (germline): Likely benign. Review status: criteria provided, multiple submitters, no conflicts (2 of 4 stars). 3 submissions from 3 submitters: Likely benign (3). Last evaluated 2026-06-01.

gnomAD v4.1: 26 of 1,613,604 alleles (0.0016%); highest among the groups gnomAD compares: Middle Eastern, 0.049%; no homozygotes.

Submissions (3):

CeGaT Center for Human Genetics Tuebingen
Classification: Likely benign. Last evaluated: 2026-06-01. Review status: criteria provided, single submitter. Criteria: CeGaT Center For Human Genetics Tuebingen Variant Classification Criteria Version 2. Collection method: clinical testing. Allele origin: germline. Affected: yes. Observed: 1 variant allele.
Comment: NACC1: BP4, BP7

Labcorp Genetics (formerly Invitae), Labcorp
Classification: Likely benign. Last evaluated: 2024-06-04. Review status: criteria provided, single submitter. Criteria: Invitae Variant Classification Sherloc (09022015). Collection method: clinical testing. Allele origin: germline.

Blueprint Genetics
Classification: Likely benign. Last evaluated: 2022-04-27. Review status: criteria provided, single submitter. Criteria: ACMG Guidelines, 2015. Collection method: clinical testing. Allele origin: germline.